The following is an entry in ClinVar:

NM_145290.4(ADGRA3):c.3044T>C (p.Leu1015Ser)

Gene: ADGRA3 (adhesion G protein-coupled receptor A3; minus strand). Cytogenetic location: 4p15.2.
Variant type: single nucleotide variant.
Coding change: c.3044T>C on transcript NM_145290.4 (MANE Select); coding-DNA position 3044, T replaced by C.
Protein change: p.Leu1015Ser; replaces leucine 1015 with serine.
Molecular consequence: missense variant.
Genome position (GRCh38, 1-based): chr4:22,388,627, A>G on the plus strand (T>C on the coding strand, the complement: ADGRA3 is on the minus strand). VCF-style: chr4-22388627-A-G. GRCh37 (hg19) VCF-style: chr4-22390250-A-G.
Other names: short protein forms L1015S.
Identifiers: ClinVar variation 2198034 (VCV002198034.5), dbSNP rs201588033, ClinGen allele CA2873458.

ClinVar aggregate classification (germline): Conflicting classifications of pathogenicity. Review status: criteria provided, conflicting classifications (1 of 4 stars). 2 submissions from 2 submitters: Uncertain significance (1); Benign (1). Last evaluated 2023-10-01.

Conditions:
Retinal dystrophy. Also called: Inherited retinal dystrophy. Identifiers: Orphanet 71862, MedGen C0854723, MeSH D058499, MONDO:0019118, HP:0000556.

Allele frequency attached by ClinVar (database versions not stated): ExAC 0.00002; TOPMed 0.00002; gnomAD 0.00007; gnomAD exomes 0.00012; 1000 Genomes Project 30x 0.00016; 1000 Genomes Project 0.00020.

Submissions (2):

Dept Of Ophthalmology, Nagoya University
Classification: Benign for Retinal dystrophy. Last evaluated: 2023-10-01. Review status: criteria provided, single submitter. Criteria: Submitter's publication. Collection method: research. Allele origin: germline. Affected: yes.

Labcorp Genetics (formerly Invitae), Labcorp
Classification: Uncertain significance. Last evaluated: 2023-07-09. Review status: criteria provided, single submitter. Criteria: Invitae Variant Classification Sherloc (09022015). Collection method: clinical testing. Allele origin: germline.
Comment: This variant is present in population databases (rs201588033, gnomAD 0.04%). This variant has not been reported in the literature in individuals affected with ADGRA3-related conditions. ClinVar contains an entry for this variant (Variation ID: 2198034). An algorithm developed to predict the effect of missense changes on protein structure and function (PolyPhen-2) suggests that this variant is likely to be disruptive. In summary, the available evidence is currently insufficient to determine the role of this variant in disease. Therefore, it has been classified as a Variant of Uncertain Significance. This sequence change replaces leucine, which is neutral and non-polar, with serine, which is neutral and polar, at codon 1015 of the ADGRA3 protein (p.Leu1015Ser).